The following is an entry in ClinVar:

ClinVar aggregate classification (germline): Uncertain significance (1 of 4 stars; one submission).

Conditions:
Ichthyosis linearis circumflexa. Identifiers: MedGen C0265962, MONDO:0043106, HP:0025810.

Allele frequency attached by ClinVar (database versions not stated): gnomAD exomes 0.00001 and 0.00004; gnomAD 0.00008 and 0.00007; ExAC 0.00003; TOPMed 0.00010; ESP Exome Variant Server 0.00017.
gnomAD v4.1: 22 of 1,613,780 alleles (0.0014%); highest among the groups gnomAD compares: African/African-American, 0.029%; no homozygotes.

Submissions (2):

Labcorp Genetics (formerly Invitae), Labcorp
Classification: Uncertain significance for Ichthyosis linearis circumflexa. Last evaluated: 2024-10-14. Review status: criteria provided, single submitter. Criteria: Invitae Variant Classification Sherloc (09022015). Collection method: clinical testing. Allele origin: germline.
Comment: This sequence change replaces arginine, which is basic and polar, with serine, which is neutral and polar, at codon 625 of the SPINK5 protein (p.Arg625Ser). This variant is present in population databases (rs373811778, gnomAD 0.04%). This variant has not been reported in the literature in individuals affected with SPINK5-related conditions. ClinVar contains an entry for this variant (Variation ID: 529163). Invitae Evidence Modeling of protein sequence and biophysical properties (such as structural, functional, and spatial information, amino acid conservation, physicochemical variation, residue mobility, and thermodynamic stability) has been performed for this missense variant. However, the output from this modeling did not meet the statistical confidence thresholds required to predict the impact of this variant on SPINK5 protein function. In summary, the available evidence is currently insufficient to determine the role of this variant in disease. Therefore, it has been classified as a Variant of Uncertain Significance.

Dr. Peter K. Rogan Lab, Western University
No classification provided (evidence only). Condition: Colon adenocarcinoma. Review status: no classification provided. Collection method: in vitro. Allele origin: not applicable. Functional consequence: retained intron. Not counted in ClinVar's aggregate classification.

NM_006846.4(SPINK5):c.1875A>T (p.Arg625Ser)

Gene: SPINK5 (serine peptidase inhibitor Kazal type 5; plus strand). Cytogenetic location: 5q32.
Variant type: single nucleotide variant.
Coding change: c.1875A>T on transcript NM_006846.4 (MANE Select); coding-DNA position 1875, A replaced by T.
Protein change: p.Arg625Ser; replaces arginine 625 with serine.
Molecular consequence: missense variant.
Genome position (GRCh38, 1-based): chr5:148,112,922, A>T. VCF-style: chr5-148112922-A-T. GRCh37 (hg19) VCF-style: chr5-147492485-A-T.
Other names: c.1875A>T, p.Arg625Ser (NM_001127698.2, NM_001127699.2); short protein forms R625S.
Identifiers: ClinVar variation 529163 (VCV000529163.10), dbSNP rs373811778, ClinGen allele CA3495764.